The following is an entry in ClinVar:

NM_004560.4(ROR2):c.2236C>T (p.Leu746Phe)

Gene: ROR2 (receptor tyrosine kinase like orphan receptor 2; minus strand). Cytogenetic location: 9q22.31.
Variant type: single nucleotide variant.
Coding change: c.2236C>T on transcript NM_004560.4 (MANE Select); coding-DNA position 2236, C replaced by T.
Protein change: p.Leu746Phe; replaces leucine 746 with phenylalanine.
Molecular consequence: missense variant.
Genome position (GRCh38, 1-based): chr9:91,724,258, G>A on the plus strand (C>T on the coding strand, the complement: ROR2 is on the minus strand). VCF-style: chr9-91724258-G-A. GRCh37 (hg19) VCF-style: chr9-94486540-G-A.
Other names: short protein forms L746F.
Identifiers: ClinVar variation 1012280 (VCV001012280.5), dbSNP rs1836916811, ClinGen allele CA373795144.

ClinVar aggregate classification (germline): Uncertain significance. Review status: criteria provided, single submitter (1 of 4 stars). 2 submissions from 2 submitters: Uncertain significance (1). 1 of the submissions does not count toward it. Last evaluated 2022-02-09.

Conditions:
Short stature. Identifiers: MedGen C0349588, HP:0004322.

Allele frequency attached by ClinVar (database versions not stated): gnomAD exomes below 0.00001.
gnomAD v4.1: 1 of 1,613,526 alleles (0.000062%); highest among the groups gnomAD compares: East Asian, 0.0022%; no homozygotes.

Submissions (2):

Labcorp Genetics (formerly Invitae), Labcorp
Classification: Uncertain significance. Last evaluated: 2022-02-09. Review status: criteria provided, single submitter. Criteria: Invitae Variant Classification Sherloc (09022015). Collection method: clinical testing. Allele origin: germline.
Comment: In summary, the available evidence is currently insufficient to determine the role of this variant in disease. Therefore, it has been classified as a Variant of Uncertain Significance. Algorithms developed to predict the effect of missense changes on protein structure and function are either unavailable or do not agree on the potential impact of this missense change (SIFT: "Deleterious"; PolyPhen-2: "Probably Damaging"; Align-GVGD: "Class C15"). ClinVar contains an entry for this variant (Variation ID: 1012280). This variant has not been reported in the literature in individuals affected with ROR2-related conditions. This variant is not present in population databases (gnomAD no frequency). This sequence change replaces leucine, which is neutral and non-polar, with phenylalanine, which is neutral and non-polar, at codon 746 of the ROR2 protein (p.Leu746Phe).

Beijing Key Laboratory for Genetic Research of Skeletal Deformity, Peking Union Medical College Hospital
Classification: Uncertain significance for Short stature. Last evaluated: 2021-01-31. Review status: no assertion criteria provided. Collection method: research. Allele origin: unknown. Affected: yes. Not counted in ClinVar's aggregate classification.